The following is an entry in ClinVar:

NM_016222.4(DDX41):c.734A>T (p.Glu245Val)

Gene: DDX41 (DEAD-box helicase 41; minus strand). Cytogenetic location: 5q35.3.
Variant type: single nucleotide variant.
Coding change: c.734A>T on transcript NM_016222.4 (MANE Select); coding-DNA position 734, A replaced by T.
Protein change: p.Glu245Val; replaces glutamic acid 245 with valine.
Molecular consequence: missense variant.
Genome position (GRCh38, 1-based): chr5:177,514,980, T>A on the plus strand (A>T on the coding strand, the complement: DDX41 is on the minus strand). VCF-style: chr5-177514980-T-A. GRCh37 (hg19) VCF-style: chr5-176941981-T-A.
Other names: c.356A>T, p.Glu119Val (NM_001321732.2, NM_001321830.2); short protein forms E245V, E119V.
Identifiers: ClinVar variation 5035157 (VCV005035157.1).

ClinVar aggregate classification (germline): Uncertain significance (1 of 4 stars; one submission).

Conditions:
Inborn genetic diseases. Identifiers: MedGen C0950123, MeSH D030342.

Submission:

Ambry Genetics
Classification: Uncertain significance for Inborn genetic diseases. Last evaluated: 2026-07-29. Review status: criteria provided, single submitter. Criteria: Ambry Variant Classification Scheme 2023. Collection method: clinical testing. Allele origin: germline.
Comment: The p.E245V variant (also known as c.734A>T), located in coding exon 8 of the DDX41 gene, results from an A to T substitution at nucleotide position 734. The glutamic acid at codon 245 is replaced by valine, an amino acid with dissimilar properties. This amino acid position is conserved. In addition, the in silico prediction for this alteration is inconclusive. Based on the available evidence, the clinical significance of this variant remains unclear.